The following is an entry in ClinVar:

ClinVar aggregate classification (germline): Uncertain significance. Review status: criteria provided, multiple submitters, no conflicts (2 of 4 stars). 2 submissions from 2 submitters: Uncertain significance (2). Last evaluated 2024-12-02.

Conditions:
Cardiovascular phenotype. Identifiers: MedGen CN230736.
Alstrom syndrome (ALMS). Identifiers: Orphanet 64, MedGen C0268425, MONDO:0008763, OMIM 203800.

Allele frequency attached by ClinVar (database versions not stated): gnomAD exomes below 0.00001.

Submissions (2):

Labcorp Genetics (formerly Invitae), Labcorp
Classification: Uncertain significance for Alstrom syndrome. Last evaluated: 2024-12-02. Review status: criteria provided, single submitter. Criteria: Invitae Variant Classification Sherloc (09022015). Collection method: clinical testing. Allele origin: germline.
Comment: This sequence change replaces glutamine, which is neutral and polar, with glutamic acid, which is acidic and polar, at codon 3585 of the ALMS1 protein (p.Gln3585Glu). This variant is not present in population databases (gnomAD no frequency). This variant has not been reported in the literature in individuals affected with ALMS1-related conditions. ClinVar contains an entry for this variant (Variation ID: 1784560). Experimental studies and prediction algorithms are not available or were not evaluated, and the functional significance of this variant is currently unknown. In summary, the available evidence is currently insufficient to determine the role of this variant in disease. Therefore, it has been classified as a Variant of Uncertain Significance.

Ambry Genetics
Classification: Uncertain significance for Cardiovascular phenotype. Last evaluated: 2020-11-18. Review status: criteria provided, single submitter. Criteria: Ambry Variant Classification Scheme 2023. Collection method: clinical testing. Allele origin: germline.
Comment: The p.Q3585E variant (also known as c.10753C>G), located in coding exon 16 of the ALMS1 gene, results from a C to G substitution at nucleotide position 10753. The glutamine at codon 3585 is replaced by glutamic acid, an amino acid with highly similar properties. This amino acid position is not well conserved in available vertebrate species, and glutamic acid is the reference amino acid in other vertebrate species. In addition, this alteration is predicted to be tolerated by in silico analysis. Since supporting evidence is limited at this time, the clinical significance of this alteration remains unclear.

NM_001378454.1(ALMS1):c.10750C>G (p.Gln3584Glu)

Gene: ALMS1 (ALMS1 centrosome and basal body associated protein; plus strand). Cytogenetic location: 2p13.1.
Variant type: single nucleotide variant.
Coding change: c.10750C>G on transcript NM_001378454.1 (MANE Select); coding-DNA position 10750, C replaced by G.
Protein change: p.Gln3584Glu; replaces glutamine 3584 with glutamic acid.
Molecular consequence: missense variant.
Genome position (GRCh38, 1-based): chr2:73,572,627, C>G. VCF-style: chr2-73572627-C-G. GRCh37 (hg19) VCF-style: chr2-73799754-C-G.
Other names: c.10753C>G, p.Gln3585Glu (NM_015120.4); short protein forms Q3584E, Q3585E.
Identifiers: ClinVar variation 1784560 (VCV001784560.5), dbSNP rs192823093, ClinGen allele CA347285264.